The following is an entry in ClinVar:

ClinVar aggregate classification (germline): Uncertain significance. Review status: no assertion criteria provided (0 of 4 stars). 2 submissions from 1 submitter: Uncertain significance (1). 1 of the submissions does not count toward it. Last evaluated 2010-05-27.

Submissions (2):

ISCA site 4
Classification: Uncertain significance. Last evaluated: 2010-05-27. Review status: no assertion criteria provided. Collection method: clinical testing. Allele origin: unknown. Affected: yes. Observed: 4 variant alleles. Clinical features observed: Short stature (HP:0004322), Autism (HP:0000717), Developmental delay AND/OR other significant developmental or morphological phenotypes.

ISCA site 4
Classification: Uncertain significance. Last evaluated: 2011-08-12. Review status: flagged submission. Criteria: Kaminsky et al. (Genet Med. 2011). Collection method: clinical testing. Allele origin: unknown. Affected: yes. Observed: 2 variant alleles. Not counted in ClinVar's aggregate classification.
Comment: Copy number variation identified through the course of routine clinical cytogenomic testing in postnatal populations. Clinical assertions have been curated as described in Kaminsky et al. 2011.
ClinVar note: Reason: This record appears to be redundant with a more recent record from the same submitter.
ClinVar note: Notes: SCV000078052 appears to be redundant with SCV000175288.

GRCh38/hg38 16p13.11(chr16:15457445-16100721)x3

Genes: ABCC1 (ATP binding cassette subfamily C member 1 (ABCC1 blood group); plus strand), BMERB1 (bMERB domain containing 1; plus strand), CEP20 (centrosomal protein 20; minus strand), MARF1 (meiosis regulator and mRNA stability factor 1; minus strand), MIR484 (microRNA 484; plus strand) and 17 more. Cytogenetic location: 16p13.11.
Variant type: copy number gain.
Change: copy number 3 (three copies instead of two) of chr16:15,457,445-16,100,721 (643.3 kb, GRCh38 coordinates, 1-based), cytogenetic band 16p13.11.
Identifiers: ClinVar variation 34910 (VCV000034910.3).